The following is an entry in ClinVar:

NM_000465.4(BARD1):c.1667A>G (p.His556Arg)

Gene: BARD1 (BRCA1 associated RING domain 1; minus strand). Cytogenetic location: 2q35.
Variant type: single nucleotide variant.
Coding change: c.1667A>G on transcript NM_000465.4 (MANE Select); coding-DNA position 1667, A replaced by G.
Protein change: p.His556Arg; replaces histidine 556 with arginine.
Molecular consequence: missense variant. On other transcripts: non-coding transcript variant (3), intron variant (1).
Genome position (GRCh38, 1-based): chr2:214,752,457, T>C on the plus strand (A>G on the coding strand, the complement: BARD1 is on the minus strand). VCF-style: chr2-214752457-T-C. GRCh37 (hg19) VCF-style: chr2-215617181-T-C.
Other names: c.1610A>G, p.His537Arg (NM_001282543.2); c.314A>G, p.His105Arg (NM_001282545.2); c.257A>G, p.His86Arg (NM_001282548.2); c.365-21949A>G (NM_001282549.2); c.1667A>G (NM_000465.2); short protein forms H105R, H537R, H556R, H86R.
Identifiers: ClinVar variation 2682137 (VCV002682137.2), dbSNP rs2106038583, ClinGen allele CA350454554.

ClinVar aggregate classification (germline): Uncertain significance. Review status: criteria provided, multiple submitters, no conflicts (2 of 4 stars). 2 submissions from 2 submitters: Uncertain significance (2). Last evaluated 2023-12-28.

Submissions (2):

GeneDx
Classification: Uncertain significance. Last evaluated: 2023-12-28. Review status: criteria provided, single submitter. Criteria: GeneDx Variant Classification Process June 2021. Collection method: clinical testing. Allele origin: germline. Affected: yes.
Comment: Not observed at significant frequency in large population cohorts (gnomAD); In silico analysis supports that this missense variant does not alter protein structure/function; Has not been previously published as pathogenic or benign to our knowledge; This variant is associated with the following publications: (PMID: 18842000)

Quest Diagnostics Nichols Institute San Juan Capistrano
Classification: Uncertain significance. Last evaluated: 2023-08-21. Review status: criteria provided, single submitter. Criteria: Quest Diagnostics criteria. Collection method: clinical testing. Allele origin: unknown.
Comment: To the best of our knowledge, this variant has not been reported in the published literature. It also has not been reported in large, multi-ethnic general populations (Genome Aggregation Database). Analysis of this variant using bioinformatics tools for the prediction of the effect of amino acid changes on protein structure and function yielded predictions that this variant is benign. Based on the available information, we are unable to determine the clinical significance of this variant.